The following is an entry in ClinVar:

ClinVar aggregate classification (germline): Uncertain significance (1 of 4 stars; one submission).

Submission:

Labcorp Genetics (formerly Invitae), Labcorp
Classification: Uncertain significance. Last evaluated: 2023-08-04. Review status: criteria provided, single submitter. Criteria: Invitae Variant Classification Sherloc (09022015). Collection method: clinical testing. Allele origin: germline.
Comment: This sequence change replaces serine, which is neutral and polar, with threonine, which is neutral and polar, at codon 615 of the POLE protein (p.Ser615Thr). This variant is not present in population databases (gnomAD no frequency). This variant has not been reported in the literature in individuals affected with POLE-related conditions. ClinVar contains an entry for this variant (Variation ID: 1397639). Advanced modeling of protein sequence and biophysical properties (such as structural, functional, and spatial information, amino acid conservation, physicochemical variation, residue mobility, and thermodynamic stability) performed at Invitae indicates that this missense variant is not expected to disrupt POLE protein function. In summary, the available evidence is currently insufficient to determine the role of this variant in disease. Therefore, it has been classified as a Variant of Uncertain Significance.

NM_006231.4(POLE):c.1844G>C (p.Ser615Thr)

Gene: POLE (DNA polymerase epsilon, catalytic subunit; minus strand). Cytogenetic location: 12q24.33.
Variant type: single nucleotide variant.
Coding change: c.1844G>C on transcript NM_006231.4 (MANE Select); coding-DNA position 1844, G replaced by C.
Protein change: p.Ser615Thr; replaces serine 615 with threonine.
Molecular consequence: missense variant.
Genome position (GRCh38, 1-based): chr12:132,668,890, C>G on the plus strand (G>C on the coding strand, the complement: POLE is on the minus strand). VCF-style: chr12-132668890-C-G. GRCh37 (hg19) VCF-style: chr12-133245476-C-G.
Other names: short protein forms S615T.
Identifiers: ClinVar variation 1397639 (VCV001397639.8), dbSNP rs2135979575, ClinGen allele CA387355537.
Genomic context (GRCh38, chr12:132,668,890, plus strand): 5'-ATGATGTTGGGGTACATGGCCCCCACGTCCAGGTGGTAGATGAGTGGACACTCGATGCGG[C>G]TGGGAACGTCCTTCAGGGAGGCAAGCTTGCTCTTAATCTCATCACACACCTGCAGAGAAA-3'
Protein context (NP_006222.2, residues 605-625): SKLASLKDVP[Ser615Thr]RIECPLIYHL